The following is an entry in ClinVar:

NM_022073.4(EGLN3):c.212G>A (p.Arg71Gln)

Gene: EGLN3 (egl-9 family hypoxia inducible factor 3; minus strand). Cytogenetic location: 14q13.1.
Variant type: single nucleotide variant.
Coding change: c.212G>A on transcript NM_022073.4 (MANE Select); coding-DNA position 212, G replaced by A.
Protein change: p.Arg71Gln; replaces arginine 71 with glutamine.
Molecular consequence: missense variant. On other transcripts: intron variant (1).
Genome position (GRCh38, 1-based): chr14:33,950,541, C>T on the plus strand (G>A on the coding strand, the complement: EGLN3 is on the minus strand). VCF-style: chr14-33950541-C-T. GRCh37 (hg19) VCF-style: chr14-34419747-C-T.
Other names: p.Arg71Gln; c.75+137G>A (NM_001308103.2); short protein forms R71Q.
Identifiers: ClinVar variation 715664 (VCV000715664.6), dbSNP rs34347250, ClinGen allele CA7151243.

ClinVar aggregate classification (germline): Benign/Likely benign. Review status: criteria provided, multiple submitters, no conflicts (2 of 4 stars). 3 submissions from 3 submitters: Benign (2); Likely benign (1). Last evaluated 2025-09-17.

Allele frequency attached by ClinVar (database versions not stated): gnomAD 0.00352 and 0.00372; TOPMed 0.00397; 1000 Genomes Project 0.00479; 1000 Genomes Project 30x 0.00484; ESP Exome Variant Server 0.00354; ExAC 0.00110; gnomAD exomes 0.00088.

Submissions (3):

Mayo Clinic Laboratories, Mayo Clinic
Classification: Likely benign. Last evaluated: 2025-09-17. Review status: criteria provided, single submitter. Criteria: ACMG Guidelines, 2015. Collection method: clinical testing. Allele origin: germline. Observed: 2 variant alleles.
Comment: BS1, BP4

Labcorp Genetics (formerly Invitae), Labcorp
Classification: Benign. Last evaluated: 2019-12-31. Review status: criteria provided, single submitter. Criteria: Invitae Variant Classification Sherloc (09022015). Collection method: clinical testing. Allele origin: germline.

Breakthrough Genomics
Classification: Benign. Review status: criteria provided, single submitter. Criteria: ACMG Guidelines, 2015. Collection method: not provided. Allele origin: germline. Inheritance: Unknown mechanism. Affected: yes.